The following is an entry in ClinVar:

ClinVar aggregate classification (germline): Uncertain significance. Review status: criteria provided, multiple submitters, no conflicts (2 of 4 stars). 3 submissions from 3 submitters: Uncertain significance (3). Last evaluated 2025-08-06.

Conditions:
Finnish congenital nephrotic syndrome (NPHS1). Also called: NEPHROTIC SYNDROME, TYPE 1. Identifiers: Orphanet 839, MedGen C0403399, MONDO:0009732, OMIM 256300.
Inborn genetic diseases. Identifiers: MedGen C0950123, MeSH D030342.

Allele frequency attached by ClinVar (database versions not stated): ExAC 0.00003; TOPMed 0.00003; gnomAD 0.00005; ESP Exome Variant Server 0.00008.
gnomAD v4.1: 40 of 1,612,150 alleles (0.0025%); highest among the groups gnomAD compares: Non-Finnish European, 0.0031%; no homozygotes.

Submissions (3):

Ambry Genetics
Classification: Uncertain significance for Inborn genetic diseases. Last evaluated: 2025-08-06. Review status: criteria provided, single submitter. Criteria: Ambry Variant Classification Scheme 2023. Collection method: clinical testing. Allele origin: germline.

Fulgent Genetics
Classification: Uncertain significance for Finnish congenital nephrotic syndrome. Last evaluated: 2024-05-02. Review status: criteria provided, single submitter. Criteria: ACMG Guidelines, 2015. Collection method: clinical testing. Allele origin: germline.

Labcorp Genetics (formerly Invitae), Labcorp
Classification: Uncertain significance. Last evaluated: 2021-09-17. Review status: criteria provided, single submitter. Criteria: Invitae Variant Classification Sherloc (09022015). Collection method: clinical testing. Allele origin: germline.
Comment: This sequence change replaces alanine with serine at codon 325 of the NPHS1 protein (p.Ala325Ser). The alanine residue is weakly conserved and there is a moderate physicochemical difference between alanine and serine. This variant is present in population databases (rs376401690, ExAC 0.005%). This variant has not been reported in the literature in individuals with NPHS1-related conditions. Algorithms developed to predict the effect of missense changes on protein structure and function output the following: SIFT: "Tolerated"; PolyPhen-2: "Benign"; Align-GVGD: "Class C0". The serine amino acid residue is found in multiple mammalian species, suggesting that this missense change does not adversely affect protein function. These predictions have not been confirmed by published functional studies and their clinical significance is uncertain. In summary, the available evidence is currently insufficient to determine the role of this variant in disease. Therefore, it has been classified as a Variant of Uncertain Significance.

NM_004646.4(NPHS1):c.973G>T (p.Ala325Ser)

Gene: NPHS1 (NPHS1 adhesion molecule, nephrin; minus strand). Cytogenetic location: 19q13.12.
Variant type: single nucleotide variant.
Coding change: c.973G>T on transcript NM_004646.4 (MANE Select); coding-DNA position 973, G replaced by T.
Protein change: p.Ala325Ser; replaces alanine 325 with serine.
Molecular consequence: missense variant.
Genome position (GRCh38, 1-based): chr19:35,849,015, C>A on the plus strand (G>T on the coding strand, the complement: NPHS1 is on the minus strand). VCF-style: chr19-35849015-C-A. GRCh37 (hg19) VCF-style: chr19-36339917-C-A.
Other names: c.973G>T (NM_004646.3); short protein forms A325S.
Identifiers: ClinVar variation 1520417 (VCV001520417.8), dbSNP rs376401690, ClinGen allele CA9390590.